The following is an entry in ClinVar:

ClinVar aggregate classification (germline): Uncertain significance (1 of 4 stars; one submission).

Submission:

Labcorp Genetics (formerly Invitae), Labcorp
Classification: Uncertain significance. Last evaluated: 2022-07-19. Review status: criteria provided, single submitter. Criteria: Invitae Variant Classification Sherloc (09022015). Collection method: clinical testing. Allele origin: germline.
Comment: In summary, the available evidence is currently insufficient to determine the role of this variant in disease. Therefore, it has been classified as a Variant of Uncertain Significance. Algorithms developed to predict the effect of missense changes on protein structure and function (SIFT, PolyPhen-2, Align-GVGD) all suggest that this variant is likely to be disruptive. ClinVar contains an entry for this variant (Variation ID: 1024890). This variant has not been reported in the literature in individuals affected with CWC27-related conditions. This variant is not present in population databases (gnomAD no frequency). This sequence change replaces aspartic acid, which is acidic and polar, with glycine, which is neutral and non-polar, at codon 239 of the CWC27 protein (p.Asp239Gly).

NM_005869.4(CWC27):c.716A>G (p.Asp239Gly)

Gene: CWC27 (CWC27 spliceosome associated cyclophilin; plus strand). Cytogenetic location: 5q12.3.
Variant type: single nucleotide variant.
Coding change: c.716A>G on transcript NM_005869.4 (MANE Select); coding-DNA position 716, A replaced by G.
Protein change: p.Asp239Gly; replaces aspartic acid 239 with glycine.
Molecular consequence: missense variant.
Genome position (GRCh38, 1-based): chr5:64,800,294, A>G. VCF-style: chr5-64800294-A-G. GRCh37 (hg19) VCF-style: chr5-64096121-A-G.
Other names: c.716A>G, p.Asp239Gly (NM_001297644.1, NM_001297645.2, NM_001318000.2 and 1 more transcripts); short protein forms D239G.
Identifiers: ClinVar variation 1024890 (VCV001024890.10), dbSNP rs1744443819, ClinGen allele CA359831869.